The following is an entry in ClinVar:

ClinVar aggregate classification (germline): Uncertain significance (1 of 4 stars; one submission).

Conditions:
Cardiovascular phenotype. Identifiers: MedGen CN230736.

gnomAD v4.1: 1 of 1,613,302 alleles (0.000062%); highest among the groups gnomAD compares: Non-Finnish European, 0.000085%; no homozygotes.

Submission:

Ambry Genetics
Classification: Uncertain significance for Cardiovascular phenotype. Last evaluated: 2025-12-05. Review status: criteria provided, single submitter. Criteria: Ambry Variant Classification Scheme 2023. Collection method: clinical testing. Allele origin: germline.
Comment: The p.S234T variant (also known as c.701G>C), located in coding exon 6 of the PTPN11 gene, results from a G to C substitution at nucleotide position 701. The serine at codon 234 is replaced by threonine, an amino acid with similar properties. This amino acid position is conserved. In addition, the in silico prediction for this alteration is inconclusive. Based on the available evidence, the clinical significance of this variant remains unclear.

NM_002834.5(PTPN11):c.701G>C (p.Ser234Thr)

Gene: PTPN11 (protein tyrosine phosphatase non-receptor type 11; plus strand). Cytogenetic location: 12q24.13.
Variant type: single nucleotide variant.
Coding change: c.701G>C on transcript NM_002834.5 (MANE Select); coding-DNA position 701, G replaced by C.
Protein change: p.Ser234Thr; replaces serine 234 with threonine.
Molecular consequence: missense variant.
Genome position (GRCh38, 1-based): chr12:112,456,008, G>C. VCF-style: chr12-112456008-G-C. GRCh37 (hg19) VCF-style: chr12-112893812-G-C.
Other names: c.701G>C, p.Ser234Thr (NM_001330437.2, NM_080601.3); c.698G>C, p.Ser233Thr (NM_001374625.1); short protein forms S234T, S233T.
Identifiers: ClinVar variation 4614793 (VCV004614793.1).